The following is an entry in ClinVar:

ClinVar aggregate classification (germline): Uncertain significance (1 of 4 stars; one submission).

Conditions:
Congenital myasthenic syndrome 8. Also called: MYASTHENIC SYNDROME, CONGENITAL, DUE TO AGRIN DEFICIENCY; Myasthenic syndrome, congenital, 8, with pre- and postsynaptic defects. Identifiers: Orphanet 590, MedGen C3808739, MONDO:0014052, OMIM 615120.

Allele frequency attached by ClinVar (database versions not stated): gnomAD exomes below 0.00001.
gnomAD v4.1: 3 of 1,580,260 alleles (0.00019%); highest among the groups gnomAD compares: Non-Finnish European, 0.00026%; no homozygotes.

Submission:

Labcorp Genetics (formerly Invitae), Labcorp
Classification: Uncertain significance for Congenital myasthenic syndrome 8. Last evaluated: 2020-10-09. Review status: criteria provided, single submitter. Criteria: Invitae Variant Classification Sherloc (09022015). Collection method: clinical testing. Allele origin: germline.
Comment: In summary, the available evidence is currently insufficient to determine the role of this variant in disease. Therefore, it has been classified as a Variant of Uncertain Significance. Algorithms developed to predict the effect of missense changes on protein structure and function are either unavailable or do not agree on the potential impact of this missense change (SIFT: "Deleterious"; PolyPhen-2: "Possibly Damaging"; Align-GVGD: "Class C0"). This variant has not been reported in the literature in individuals with AGRN-related conditions. This variant is not present in population databases (ExAC no frequency). This sequence change replaces asparagine with aspartic acid at codon 1412 of the AGRN protein (p.Asn1412Asp). The asparagine residue is highly conserved and there is a small physicochemical difference between asparagine and aspartic acid.

NM_198576.4(AGRN):c.4234A>G (p.Asn1412Asp)

Gene: AGRN (agrin; plus strand). Cytogenetic location: 1p36.33.
Variant type: single nucleotide variant.
Coding change: c.4234A>G on transcript NM_198576.4 (MANE Select); coding-DNA position 4234, A replaced by G.
Protein change: p.Asn1412Asp; replaces asparagine 1412 with aspartic acid.
Molecular consequence: missense variant.
Genome position (GRCh38, 1-based): chr1:1,048,995, A>G. VCF-style: chr1-1048995-A-G. GRCh37 (hg19) VCF-style: chr1-984375-A-G.
Other names: c.4234A>G, p.Asn1412Asp (NM_001305275.2); c.3919A>G, p.Asn1307Asp (NM_001364727.2); short protein forms N1412D, N1307D.
Identifiers: ClinVar variation 1042583 (VCV001042583.8), dbSNP rs1435842060, ClinGen allele CA337776918.